The following is an entry in ClinVar:

ClinVar aggregate classification (germline): Uncertain significance (1 of 4 stars; one submission).

Conditions:
Early-infantile DEE. Also called: Early infantile epileptic encephalopathy; Ohtahara syndrome; Early infantile epileptic encephalopathy with suppression bursts. Identifiers: Orphanet 1934, MedGen C0393706, MONDO:0800491.

Submission:

Labcorp Genetics (formerly Invitae), Labcorp
Classification: Uncertain significance for Early-infantile DEE. Last evaluated: 2019-07-09. Review status: criteria provided, single submitter. Criteria: Invitae Variant Classification Sherloc (09022015). Collection method: clinical testing. Allele origin: germline.
Comment: This sequence change replaces arginine with proline at codon 1841 of the SCN8A protein (p.Arg1841Pro). The arginine residue is highly conserved and there is a moderate physicochemical difference between arginine and proline. This variant is not present in population databases (ExAC no frequency). This variant has not been reported in the literature in individuals with SCN8A-related conditions. Algorithms developed to predict the effect of missense changes on protein structure and function are either unavailable or do not agree on the potential impact of this missense change (SIFT: "Deleterious"; PolyPhen-2: "Probably Damaging"; Align-GVGD: "Class C0"). In summary, the available evidence is currently insufficient to determine the role of this variant in disease. Therefore, it has been classified as a Variant of Uncertain Significance.

NM_001330260.2(SCN8A):c.5522G>C (p.Arg1841Pro)

Gene: SCN8A (sodium voltage-gated channel alpha subunit 8; plus strand). Cytogenetic location: 12q13.13.
Variant type: single nucleotide variant.
Coding change: c.5522G>C on transcript NM_001330260.2 (MANE Select); coding-DNA position 5522, G replaced by C.
Protein change: p.Arg1841Pro; replaces arginine 1841 with proline.
Molecular consequence: missense variant.
Genome position (GRCh38, 1-based): chr12:51,807,008, G>C. VCF-style: chr12-51807008-G-C. GRCh37 (hg19) VCF-style: chr12-52200792-G-C.
Other names: c.5399G>C, p.Arg1800Pro (NM_001177984.3, NM_001369788.1); c.5522G>C, p.Arg1841Pro (NM_014191.4); short protein forms R1800P, R1841P.
Identifiers: ClinVar variation 954719 (VCV000954719.10), dbSNP rs1938720909, ClinGen allele CA384887140.